The following is an entry in ClinVar:

NM_000038.6(APC):c.5865T>A (p.Ala1955=)

Gene: APC (APC regulator of Wnt signaling pathway; plus strand). Cytogenetic location: 5q22.2.
Variant type: single nucleotide variant.
Coding change: c.5865T>A on transcript NM_000038.6 (MANE Select); coding-DNA position 5865, T replaced by A.
Protein change: p.Ala1955=; no amino-acid change (alanine 1955 retained).
Molecular consequence: synonymous variant.
Genome position (GRCh38, 1-based): chr5:112,841,459, T>A. VCF-style: chr5-112841459-T-A. GRCh37 (hg19) VCF-style: chr5-112177156-T-A.
Other names: c.5865T>A, p.Ala1955= (NM_001127510.3, NM_001354895.2); c.5811T>A, p.Ala1937= (NM_001127511.3); c.5919T>A, p.Ala1973= (NM_001354896.2); c.5895T>A, p.Ala1965= (NM_001354897.2); c.5790T>A, p.Ala1930= (NM_001354898.2); c.5781T>A, p.Ala1927= (NM_001354899.2); c.5742T>A, p.Ala1914= (NM_001354900.2); c.5688T>A, p.Ala1896= (NM_001354901.2); and 5 more.
Identifiers: ClinVar variation 928119 (VCV000928119.15), dbSNP rs1060504868, ClinGen allele CA446209885.
Genomic context (GRCh38, chr5:112,841,459, plus strand): 5'-GTCATCCAAAGACATACCAGACAGAGGGGCAGCAACTGATGAAAAGTTACAGAATTTTGC[T>A]ATTGAAAATACTCCGGTTTGCTTTTCTCATAATTCCTCTCTGAGTTCTCTCAGTGACATT-3'
Protein context (NP_000029.2, residues 1945-1965): AATDEKLQNF[Ala1955=]IENTPVCFSH

ClinVar aggregate classification (germline): Benign/Likely benign. Review status: criteria provided, multiple submitters, no conflicts (2 of 4 stars). 4 submissions from 4 submitters: Benign (1); Likely benign (3). Last evaluated 2024-04-03.

Conditions:
Hereditary cancer-predisposing syndrome. Also called: Neoplastic Syndromes, Hereditary; Hereditary Cancer Syndrome; Tumor predisposition; Hereditary neoplastic syndrome. Identifiers: Orphanet 140162, MedGen C0027672, MeSH D009386, MONDO:0015356.
Familial adenomatous polyposis 1 (FAP1). Also called: FAMILIAL ADENOMATOUS POLYPOSIS 1, ATTENUATED; POLYPOSIS, ADENOMATOUS INTESTINAL. Identifiers: MedGen C2713442, MONDO:0021056, OMIM 175100. Disease mechanism: loss of function.

Allele frequency attached by ClinVar (database versions not stated): TOPMed below 0.00001; gnomAD 0.00001.
gnomAD v4.1: 1 of 1,613,752 alleles (0.000062%); highest among the groups gnomAD compares: Non-Finnish European, 0.000085%; no homozygotes.

Submissions (4):

Myriad Genetics, Inc.
Classification: Benign for Familial adenomatous polyposis 1. Last evaluated: 2024-04-03. Review status: criteria provided, single submitter. Criteria: Myriad Autosomal Dominant, Autosomal Recessive and X-Linked Classification Criteria (2023). Collection method: clinical testing. Allele origin: unknown.
Comment: This variant is considered benign. This variant is a silent/synonymous amino acid change and it is not expected to impact splicing.

Labcorp Genetics (formerly Invitae), Labcorp
Classification: Likely benign for Familial adenomatous polyposis 1. Last evaluated: 2024-02-17. Review status: criteria provided, single submitter. Criteria: Invitae Variant Classification Sherloc (09022015). Collection method: clinical testing. Allele origin: germline.

Ambry Genetics
Classification: Likely benign for Hereditary cancer-predisposing syndrome. Last evaluated: 2020-10-18. Review status: criteria provided, single submitter. Criteria: Ambry Variant Classification Scheme 2023. Collection method: clinical testing. Allele origin: germline.

Color Diagnostics, LLC DBA Color Health
Classification: Likely benign for Hereditary cancer-predisposing syndrome. Last evaluated: 2019-03-12. Review status: criteria provided, single submitter. Criteria: ACMG Guidelines, 2015. Collection method: clinical testing. Allele origin: germline.